The following is an entry in ClinVar:

NM_000212.3(ITGB3):c.1303G>T (p.Glu435Ter)

Gene: ITGB3 (integrin subunit beta 3; plus strand). Cytogenetic location: 17q21.32.
Variant type: single nucleotide variant.
Coding change: c.1303G>T on transcript NM_000212.3 (MANE Select); coding-DNA position 1303, G replaced by T.
Protein change: p.Glu435Ter; replaces glutamic acid 435 with a stop codon.
Molecular consequence: nonsense.
Genome position (GRCh38, 1-based): chr17:47,292,181, G>T. VCF-style: chr17-47292181-G-T. GRCh37 (hg19) VCF-style: chr17-45369547-G-T.
Other names: NM_000212.3:c.1303G>T; short protein forms E435*.
Identifiers: ClinVar variation 1879047 (VCV001879047.1), dbSNP rs2065129084, ClinGen allele CA400028645.

ClinVar aggregate classification (germline): Pathogenic (3 of 4 stars; one submission).

Conditions:
Glanzmann thrombasthenia. Also called: PLATELET GLYCOPROTEIN IIb-IIIa DEFICIENCY; BLEEDING DISORDER, PLATELET-TYPE, 2; THROMBASTHENIA OF GLANZMANN AND NAEGELI; Thrombasthenia; Glanzmann's thrombasthenia. Identifiers: Orphanet 849, MedGen C0040015, MONDO:0100326.

Submission:

ClinGen Platelet Disorders Variant Curation Expert Panel, ClinGen
Classification: Pathogenic for Glanzmann thrombasthenia. Last evaluated: 2022-11-15. Review status: reviewed by expert panel. Criteria: ClinGen Platelet ACMG Specifications v2-1. Collection method: curation. Allele origin: germline. Inheritance: Autosomal recessive inheritance.
Comment: NM_000212.3(ITGB3):c.1303G>T (p.Glu435Ter) found in a homozygous proband (PMID:31029159; PM3_supporting) causes a premature stop codon at exon 10/15 and is predicted to undergo nonsense mediated decay (PVS1). The mutation was not found in gnomAD v2.1.1 (PM2_supporting). In conclusion the criteria PVS1, PM2_supporting, and PM3_supporting were applied to reach a classification of pathogenic.